The following is an entry in ClinVar:

NM_015272.5(RPGRIP1L):c.2958+1G>A

Gene: RPGRIP1L (RPGRIP1 like; minus strand). Cytogenetic location: 16q12.2.
Variant type: single nucleotide variant.
Coding change: c.2958+1G>A on transcript NM_015272.5 (MANE Select); the canonical splice donor site of the intron after coding-DNA position 2958, G replaced by A.
Molecular consequence: splice donor variant.
Genome position (GRCh38, 1-based): chr16:53,641,032, C>T on the plus strand (G>A on the coding strand, the complement: RPGRIP1L is on the minus strand). VCF-style: chr16-53641032-C-T. GRCh37 (hg19) VCF-style: chr16-53674944-C-T.
Other names: c.2958+1G>A (NM_001127897.4, NM_001330538.2, NM_001308334.3 and 1 more transcripts).
Identifiers: ClinVar variation 2928781 (VCV002928781.5), dbSNP rs2151056579, ClinGen allele CA395926908.

ClinVar aggregate classification (germline): Likely pathogenic. Review status: criteria provided, single submitter (1 of 4 stars). 2 submissions from 2 submitters: Likely pathogenic (1). 1 of the submissions does not count toward it. Last evaluated 2023-11-06.

Conditions:
RPGRIP1L-related disorder. Also called: RPGRIP1L-related condition; RPGRIP1L-related disorders. Identifiers: MedGen CN239416.
Meckel-Gruber syndrome. Also called: Dysencephalia splachnocystica; DYSENCEPHALIA SPLANCHNOCYSTICA; GRUBER SYNDROME. Identifiers: Orphanet 564, MedGen C0265215, MONDO:0018921.
Joubert syndrome. Also called: JOUBERT-BOLTSHAUSER SYNDROME; Familial aplasia of the vermis. Identifiers: Orphanet 475, MedGen C5979921, MONDO:0018772.

Allele frequency attached by ClinVar (database versions not stated): gnomAD exomes below 0.00001.
gnomAD v4.1: 1 of 1,602,966 alleles (0.000062%); highest among the groups gnomAD compares: Non-Finnish European, 0.000085%; no homozygotes.

Submissions (2):

Labcorp Genetics (formerly Invitae), Labcorp
Classification: Likely pathogenic for Joubert syndrome; Meckel-Gruber syndrome. Last evaluated: 2023-11-06. Review status: criteria provided, single submitter. Criteria: Invitae Variant Classification Sherloc (09022015). Collection method: clinical testing. Allele origin: germline.
Comment: This sequence change affects a donor splice site in intron 19 of the RPGRIP1L gene. It is expected to disrupt RNA splicing. Variants that disrupt the donor or acceptor splice site typically lead to a loss of protein function (PMID: 16199547), and loss-of-function variants in RPGRIP1L are known to be pathogenic (PMID: 17558409). This variant is not present in population databases (gnomAD no frequency). This variant has not been reported in the literature in individuals affected with RPGRIP1L-related conditions. Algorithms developed to predict the effect of sequence changes on RNA splicing suggest that this variant may disrupt the consensus splice site. In summary, the currently available evidence indicates that the variant is pathogenic, but additional data are needed to prove that conclusively. Therefore, this variant has been classified as Likely Pathogenic.

PreventionGenetics, part of Exact Sciences
Classification: Likely pathogenic for RPGRIP1L-related condition. Last evaluated: 2023-12-18. Review status: no assertion criteria provided. Collection method: clinical testing. Allele origin: germline. Not counted in ClinVar's aggregate classification.
Comment: The RPGRIP1L c.2958+1G>A variant is predicted to disrupt the GT donor site and interfere with normal splicing. To our knowledge, this variant has not been reported in the literature or in a large population database, indicating this variant is rare. Variants that disrupt the consensus splice donor site in RPGRIP1L are expected to be pathogenic. This variant is interpreted as likely pathogenic.

Literature cited by the submitters: PubMed 16199547 (cited by Labcorp Genetics (formerly Invitae), Labcorp); PubMed 17558409 (cited by Labcorp Genetics (formerly Invitae), Labcorp).